The following is an entry in ClinVar:

ClinVar aggregate classification (germline): Uncertain significance (1 of 4 stars; one submission).

Allele frequency attached by ClinVar (database versions not stated): gnomAD 0.00006; ExAC 0.00007; TOPMed 0.00011.

Submission:

CeGaT Center for Human Genetics Tuebingen
Classification: Uncertain significance. Last evaluated: 2024-05-01. Review status: criteria provided, single submitter. Criteria: CeGaT Center For Human Genetics Tuebingen Variant Classification Criteria Version 2. Collection method: clinical testing. Allele origin: germline. Affected: yes. Observed: 1 variant allele.
Comment: TTN: PM2, BP4

NM_001267550.2(TTN):c.11312-4157G>A

Gene: TTN (titin; minus strand). Cytogenetic location: 2q31.2.
Variant type: single nucleotide variant.
Coding change: c.11312-4157G>A on transcript NM_001267550.2 (MANE Select); 4157 bases into the intron before coding-DNA position 11312, G replaced by A.
Molecular consequence: intron variant. On other transcripts: missense variant (1).
Genome position (GRCh38, 1-based): chr2:178,746,078, C>T on the plus strand (G>A on the coding strand, the complement: TTN is on the minus strand). VCF-style: chr2-178746078-C-T. GRCh37 (hg19) VCF-style: chr2-179610805-C-T.
Other names: c.16322G>A, p.Arg5441Gln (NM_133379.5); c.10223-4157G>A (NM_003319.4); c.10799-4157G>A (NM_133437.4); c.10598-4157G>A (NM_133432.3); c.10360+7046G>A (NM_133378.4); c.10361-4157G>A (NM_001256850.1); short protein forms R5441Q.
Identifiers: ClinVar variation 3239008 (VCV003239008.19), dbSNP rs776175211.